The following is an entry in ClinVar:

ClinVar aggregate classification (germline): Conflicting classifications of pathogenicity. Review status: criteria provided, conflicting classifications (1 of 4 stars). 3 submissions from 3 submitters: Uncertain significance (1); Likely benign (1). 1 of the submissions does not count toward it. Last evaluated 2026-01-01.

Conditions:
ATP11A-related disorder. Also called: ATP11A-related condition.
Inborn genetic diseases. Identifiers: MedGen C0950123, MeSH D030342.

Allele frequency attached by ClinVar (database versions not stated): gnomAD exomes 0.00003; TOPMed 0.00008; gnomAD 0.00009; ExAC 0.00011; 1000 Genomes Project 30x 0.00016; 1000 Genomes Project 0.00020.
gnomAD v4.1: 79 of 1,614,056 alleles (0.0049%); highest among the groups gnomAD compares: East Asian, 0.053%; no homozygotes.

Submissions (3):

CeGaT Center for Human Genetics Tuebingen
Classification: Likely benign. Last evaluated: 2026-01-01. Review status: criteria provided, single submitter. Criteria: CeGaT Center For Human Genetics Tuebingen Variant Classification Criteria Version 2. Collection method: clinical testing. Allele origin: germline. Affected: yes. Observed: 1 variant allele.
Comment: ATP11A: BP5

Ambry Genetics
Classification: Uncertain significance for Inborn genetic diseases. Last evaluated: 2025-04-07. Review status: criteria provided, single submitter. Criteria: Ambry Variant Classification Scheme 2023. Collection method: clinical testing. Allele origin: germline.

PreventionGenetics, part of Exact Sciences
Classification: Likely benign for ATP11A-related condition. Last evaluated: 2023-02-27. Review status: no assertion criteria provided. Collection method: clinical testing. Allele origin: germline. Not counted in ClinVar's aggregate classification.
Comment: This variant is classified as likely benign based on ACMG/AMP sequence variant interpretation guidelines (Richards et al. 2015 PMID: 25741868, with internal and published modifications).

NM_015205.3(ATP11A):c.406G>A (p.Gly136Ser)

Gene: ATP11A (ATPase phospholipid transporting 11A; plus strand). Cytogenetic location: 13q34.
Variant type: single nucleotide variant.
Coding change: c.406G>A on transcript NM_015205.3 (MANE Select); coding-DNA position 406, G replaced by A.
Protein change: p.Gly136Ser; replaces glycine 136 with serine.
Molecular consequence: missense variant.
Genome position (GRCh38, 1-based): chr13:112,810,691, G>A. VCF-style: chr13-112810691-G-A. GRCh37 (hg19) VCF-style: chr13-113465005-G-A.
Other names: c.406G>A, p.Gly136Ser (NM_001405661.1, NM_001405662.1, NM_001405663.1 and 1 more transcripts); short protein forms G136S.
Identifiers: ClinVar variation 2510374 (VCV002510374.9), dbSNP rs550617429, ClinGen allele CA7056341.
Genomic context (GRCh38, chr13:112,810,691, plus strand): 5'-TGGCTTCGACATAAAGCAGACAATGCCATGAACCAGTGTCCTGTTCATTTCATTCAGCAC[G>A]GCAAGCTCGTTCGGAAACAAAGTCGAAAGCTGCGAGTAAGTGACACCCGACACATTTACG-3'
Protein context (NP_056020.2, residues 126-146): NQCPVHFIQH[Gly136Ser]KLVRKQSRKL